The following is an entry in ClinVar:

NM_005276.4(GPD1):c.629G>T (p.Gly210Val)

Gene: GPD1 (glycerol-3-phosphate dehydrogenase 1; plus strand). Cytogenetic location: 12q13.12.
Variant type: single nucleotide variant.
Coding change: c.629G>T on transcript NM_005276.4 (MANE Select); coding-DNA position 629, G replaced by T.
Protein change: p.Gly210Val; replaces glycine 210 with valine.
Molecular consequence: missense variant.
Genome position (GRCh38, 1-based): chr12:50,107,583, G>T. VCF-style: chr12-50107583-G-T. GRCh37 (hg19) VCF-style: chr12-50501366-G-T.
Other names: c.560G>T, p.Gly187Val (NM_001257199.2); short protein forms G187V, G210V.
Identifiers: ClinVar variation 1962687 (VCV001962687.5), dbSNP rs1376981109, ClinGen allele CA384801394.

ClinVar aggregate classification (germline): Uncertain significance (1 of 4 stars; one submission).

Allele frequency attached by ClinVar (database versions not stated): gnomAD exomes below 0.00001; TOPMed below 0.00001.
gnomAD v4.1: 1 of 1,614,042 alleles (0.000062%); highest among the groups gnomAD compares: Non-Finnish European, 0.000085%; no homozygotes.

Submission:

Labcorp Genetics (formerly Invitae), Labcorp
Classification: Uncertain significance. Last evaluated: 2021-12-10. Review status: criteria provided, single submitter. Criteria: Invitae Variant Classification Sherloc (09022015). Collection method: clinical testing. Allele origin: germline.
Comment: Algorithms developed to predict the effect of missense changes on protein structure and function are either unavailable or do not agree on the potential impact of this missense change (SIFT: "Deleterious"; PolyPhen-2: "Probably Damaging"; Align-GVGD: "Class C0"). In summary, the available evidence is currently insufficient to determine the role of this variant in disease. Therefore, it has been classified as a Variant of Uncertain Significance. This variant has not been reported in the literature in individuals affected with GPD1-related conditions. This variant is present in population databases (no rsID available, gnomAD 0.0009%). This sequence change replaces glycine, which is neutral and non-polar, with valine, which is neutral and non-polar, at codon 210 of the GPD1 protein (p.Gly210Val).